The following is an entry in ClinVar:

NM_001211.6(BUB1B):c.2478T>A (p.Tyr826Ter)

Gene: BUB1B (BUB1 mitotic checkpoint serine/threonine kinase B; plus strand). Cytogenetic location: 15q15.1.
Variant type: single nucleotide variant.
Coding change: c.2478T>A on transcript NM_001211.6 (MANE Select); coding-DNA position 2478, T replaced by A.
Protein change: p.Tyr826Ter; replaces tyrosine 826 with a stop codon.
Molecular consequence: nonsense.
Genome position (GRCh38, 1-based): chr15:40,212,591, T>A. VCF-style: chr15-40212591-T-A. GRCh37 (hg19) VCF-style: chr15-40504792-T-A.
Other names: short protein forms Y826*.
Identifiers: ClinVar variation 3385277 (VCV003385277.1).

ClinVar aggregate classification (germline): Pathogenic (1 of 4 stars; one submission).

Conditions:
Mosaic variegated aneuploidy syndrome 1 (MVA1). Also called: Warburton-Anyane-Yeboa syndrome. Identifiers: Orphanet 1052, MedGen C1850343, MONDO:0009759, OMIM 257300.

Submission:

Women's Health and Genetics/Laboratory Corporation of America, LabCorp
Classification: Pathogenic for Mosaic variegated aneuploidy syndrome 1. Last evaluated: 2024-10-16. Review status: criteria provided, single submitter. Criteria: LabCorp Variant Classification Summary - May 2015. Collection method: clinical testing. Allele origin: germline.
Comment: Variant summary: BUB1B c.2478T>A (p.Tyr826X) results in a premature termination codon, predicted to cause a truncation of the encoded protein or absence of the protein due to nonsense mediated decay, which are commonly known mechanisms for disease. The variant was absent in 251262 control chromosomes (gnomAD). To our knowledge, no occurrence of c.2478T>A in individuals affected with Mosaic Variegated Aneuploidy Syndrome 1 and no experimental evidence demonstrating its impact on protein function have been reported. No submitters have cited clinical-significance assessments for this variant to ClinVar. Based on the evidence outlined above, the variant was classified as pathogenic.